The following is an entry in ClinVar:

ClinVar aggregate classification (germline): Uncertain significance. Review status: criteria provided, multiple submitters, no conflicts (2 of 4 stars). 2 submissions from 2 submitters: Uncertain significance (2). Last evaluated 2025-07-22.

Conditions:
Hereditary cancer-predisposing syndrome. Also called: Tumor predisposition; Hereditary neoplastic syndrome; Neoplastic Syndromes, Hereditary; Hereditary Cancer Syndrome. Identifiers: Orphanet 140162, MedGen C0027672, MeSH D009386, MONDO:0015356.

gnomAD v4.1: 1 of 1,613,906 alleles (0.000062%); highest among the groups gnomAD compares: Non-Finnish European, 0.000085%; no homozygotes.

Submissions (2):

Ambry Genetics
Classification: Uncertain significance for Hereditary cancer-predisposing syndrome. Last evaluated: 2025-07-22. Review status: criteria provided, single submitter. Criteria: Ambry Variant Classification Scheme 2023. Collection method: clinical testing. Allele origin: germline.
Comment: The p.V792I variant (also known as c.2374G>A), located in coding exon 14 of the RAD50 gene, results from a G to A substitution at nucleotide position 2374. The valine at codon 792 is replaced by isoleucine, an amino acid with highly similar properties. This amino acid position is conserved. In addition, this alteration is predicted to be tolerated by in silico analysis. Based on the available evidence, the clinical significance of this variant remains unclear.

Labcorp Genetics (formerly Invitae), Labcorp
Classification: Uncertain significance for Hereditary cancer-predisposing syndrome. Last evaluated: 2023-08-17. Review status: criteria provided, single submitter. Criteria: Invitae Variant Classification Sherloc (09022015). Collection method: clinical testing. Allele origin: germline.
Comment: In summary, the available evidence is currently insufficient to determine the role of this variant in disease. Therefore, it has been classified as a Variant of Uncertain Significance. Advanced modeling of protein sequence and biophysical properties (such as structural, functional, and spatial information, amino acid conservation, physicochemical variation, residue mobility, and thermodynamic stability) performed at Invitae indicates that this missense variant is not expected to disrupt RAD50 protein function. ClinVar contains an entry for this variant (Variation ID: 2066598). This variant has not been reported in the literature in individuals affected with RAD50-related conditions. This variant is not present in population databases (gnomAD no frequency). This sequence change replaces valine, which is neutral and non-polar, with isoleucine, which is neutral and non-polar, at codon 792 of the RAD50 protein (p.Val792Ile).

NM_005732.4(RAD50):c.2374G>A (p.Val792Ile)

Gene: RAD50 (RAD50 double strand break repair protein; plus strand). Cytogenetic location: 5q31.1.
Variant type: single nucleotide variant.
Coding change: c.2374G>A on transcript NM_005732.4 (MANE Select); coding-DNA position 2374, G replaced by A.
Protein change: p.Val792Ile; replaces valine 792 with isoleucine.
Molecular consequence: missense variant.
Genome position (GRCh38, 1-based): chr5:132,603,466, G>A. VCF-style: chr5-132603466-G-A. GRCh37 (hg19) VCF-style: chr5-131939158-G-A.
Other names: c.2374G>A (NM_005732.3); short protein forms V792I.
Identifiers: ClinVar variation 2066598 (VCV002066598.5), dbSNP rs1750925190, ClinGen allele CA360955015.